The following is an entry in ClinVar:

NM_052947.4(ALPK2):c.603G>C (p.Glu201Asp)

Gene: ALPK2 (alpha kinase 2; minus strand). Cytogenetic location: 18q21.31.
Variant type: single nucleotide variant.
Coding change: c.603G>C on transcript NM_052947.4 (MANE Select); coding-DNA position 603, G replaced by C.
Protein change: p.Glu201Asp; replaces glutamic acid 201 with aspartic acid.
Molecular consequence: missense variant.
Genome position (GRCh38, 1-based): chr18:58,580,173, C>G on the plus strand (G>C on the coding strand, the complement: ALPK2 is on the minus strand). VCF-style: chr18-58580173-C-G. GRCh37 (hg19) VCF-style: chr18-56247405-C-G.
Other names: short protein forms E201D.
Identifiers: ClinVar variation 3228837 (VCV003228837.1), dbSNP rs199623844, ClinGen allele CA402567625.

ClinVar aggregate classification (germline): Uncertain significance (1 of 4 stars; one submission).

Submission:

Ambry Genetics
Classification: Uncertain significance. Last evaluated: 2023-10-04. Review status: criteria provided, single submitter. Criteria: Ambry Variant Classification Scheme 2023. Collection method: clinical testing. Allele origin: germline.
Comment: The p.E201D variant (also known as c.603G>C), located in coding exon 3 of the ALPK2 gene, results from a G to C substitution at nucleotide position 603. The glutamic acid at codon 201 is replaced by aspartic acid, an amino acid with highly similar properties. This amino acid position is conserved. In addition, this alteration is predicted to be tolerated by in silico analysis. Since supporting evidence is limited at this time, the clinical significance of this alteration remains unclear.